The following is an entry in ClinVar:

ClinVar aggregate classification (germline): Uncertain significance (1 of 4 stars; one submission).

Submission:

Labcorp Genetics (formerly Invitae), Labcorp
Classification: Uncertain significance. Last evaluated: 2024-02-23. Review status: criteria provided, single submitter. Criteria: Invitae Variant Classification Sherloc (09022015). Collection method: clinical testing. Allele origin: germline.
Comment: This sequence change replaces arginine, which is basic and polar, with glycine, which is neutral and non-polar, at codon 184 of the DHX38 protein (p.Arg184Gly). This variant is not present in population databases (gnomAD no frequency). This variant has not been reported in the literature in individuals affected with DHX38-related conditions. ClinVar contains an entry for this variant (Variation ID: 1363908). An algorithm developed to predict the effect of missense changes on protein structure and function (PolyPhen-2) suggests that this variant is likely to be tolerated. Algorithms developed to predict the effect of sequence changes on RNA splicing suggest that this variant may disrupt the consensus splice site. In summary, the available evidence is currently insufficient to determine the role of this variant in disease. Therefore, it has been classified as a Variant of Uncertain Significance.

NM_014003.4(DHX38):c.550C>G (p.Arg184Gly)

Gene: DHX38 (DEAH-box helicase 38; plus strand). Cytogenetic location: 16q22.2.
Variant type: single nucleotide variant.
Coding change: c.550C>G on transcript NM_014003.4 (MANE Select); coding-DNA position 550, C replaced by G.
Protein change: p.Arg184Gly; replaces arginine 184 with glycine.
Molecular consequence: missense variant.
Genome position (GRCh38, 1-based): chr16:72,097,715, C>G. VCF-style: chr16-72097715-C-G. GRCh37 (hg19) VCF-style: chr16-72131614-C-G.
Other names: short protein forms R184G.
Identifiers: ClinVar variation 1363908 (VCV001363908.6), dbSNP rs778241309, ClinGen allele CA396701646.